The following is an entry in ClinVar:

NM_001783.4(CD79A):c.*4C>T

Genes: CD79A (CD79a molecule; plus strand), RPS19-CD79A (RPS19-CD79A readthrough; plus strand). Cytogenetic location: 19q13.2.
Variant type: single nucleotide variant.
Coding change: c.*4C>T on transcript NM_001783.4 (MANE Select); 4 bases downstream of the stop codon, C replaced by T.
Molecular consequence: 3 prime UTR variant.
Genome position (GRCh38, 1-based): chr19:41,880,984, C>T. VCF-style: chr19-41880984-C-T. GRCh37 (hg19) VCF-style: chr19-42385051-C-T.
Other names: c.*4C>T (NM_021601.4).
Identifiers: ClinVar variation 3056231 (VCV003056231.3), dbSNP rs375511223, ClinGen allele CA9465694.

ClinVar aggregate classification (germline): Likely benign. Review status: criteria provided, single submitter (1 of 4 stars). 2 submissions from 2 submitters: Likely benign (1). 1 of the submissions does not count toward it. Last evaluated 2024-11-26.

Conditions:
CD79A-related disorder. Also called: CD79A-related condition.

Allele frequency attached by ClinVar (database versions not stated): ExAC 0.00082; ESP Exome Variant Server 0.00116; 1000 Genomes Project 30x 0.00187; gnomAD 0.00155; TOPMed 0.00146; 1000 Genomes Project 0.00220.

Submissions (2):

Blueprint Genetics
Classification: Likely benign. Last evaluated: 2024-11-26. Review status: criteria provided, single submitter. Criteria: ACMG Guidelines, 2015. Collection method: clinical testing. Allele origin: germline.

PreventionGenetics, part of Exact Sciences
Classification: Likely benign for CD79A-related condition. Last evaluated: 2019-05-01. Review status: no assertion criteria provided. Collection method: clinical testing. Allele origin: germline. Not counted in ClinVar's aggregate classification.
Comment: This variant is classified as likely benign based on ACMG/AMP sequence variant interpretation guidelines (Richards et al. 2015 PMID: 25741868, with internal and published modifications).